The following is an entry in ClinVar:

NM_000261.2(MYOC):c.477A>G (p.Leu159=)

Gene: MYOC (myocilin; minus strand). Cytogenetic location: 1q24.3.
Variant type: single nucleotide variant.
Coding change: c.477A>G on transcript NM_000261.2 (MANE Select); coding-DNA position 477, A replaced by G.
Protein change: p.Leu159=; no amino-acid change (leucine 159 retained).
Molecular consequence: synonymous variant.
Genome position (GRCh38, 1-based): chr1:171,652,135, T>C on the plus strand (A>G on the coding strand, the complement: MYOC is on the minus strand). VCF-style: chr1-171652135-T-C. GRCh37 (hg19) VCF-style: chr1-171621275-T-C.
Other names: NM_000261.2(MYOC):c.477A>G; p.Leu159=.
Identifiers: ClinVar variation 293717 (VCV000293717.20), dbSNP rs61730977, ClinGen allele CA1244271.
Genomic context (GRCh38, chr1:171,652,135, plus strand): 5'-CCTTGCTACCTCCTGGCTGCTGCTTTCCAACCTCCTGGCCAGATTCTCATTTTCTTGCCT[T>C]AGTCGCTTCTTCTCTTCCTCCAGAACTGACTTGTCTCGGAGGAGGTTGCTGTAGGCAGTC-3'
Protein context (NP_000252.1, residues 149-169): KSVLEEEKKR[Leu159=]RQENENLARR

ClinVar aggregate classification (germline): Benign. Review status: reviewed by expert panel (3 of 4 stars). 6 submissions from 5 submitters: Benign (1). 5 of the submissions do not count toward it. Last evaluated 2025-12-03.

Conditions:
Open-angle glaucoma. Identifiers: MedGen C0017612, MONDO:0005338, HP:0012108.
Glaucoma. Identifiers: MedGen C0017601, MONDO:0005041, HP:0000501.
Glaucoma 1, open angle, A (GLC1A). Also called: Glaucoma, Dominant (Juvenile Onset). Identifiers: Orphanet 98977, MedGen C1842028, MONDO:0007664, OMIM 137750.

Allele frequency attached by ClinVar (database versions not stated): ExAC 0.00673; 1000 Genomes Project 0.02137; gnomAD exomes 0.00570 and 0.00214; ESP Exome Variant Server 0.02299; TOPMed 0.02408; gnomAD 0.02133 and 0.02287; 1000 Genomes Project 30x 0.02311.
gnomAD v4.1: 6,527 of 1,614,148 alleles (0.4%); highest among the groups gnomAD compares: African/African-American, 7.3%; 232 homozygotes.

Submissions (6):

ClinGen Glaucoma Variant Curation Expert Panel
Classification: Benign for Open-angle glaucoma. Last evaluated: 2025-12-03. Review status: reviewed by expert panel. Criteria: ClinGen Glaucoma ACMG Specifications V2.0.0 Approved. Collection method: curation. Allele origin: germline. Inheritance: Autosomal dominant inheritance.
Comment: The c.477A>G variant in MYOC is a synonymous variant (p.Leu159=). The highest minor allele frequency of this variant was in the African/African American genetic ancestry group of gnomAD (v4.1.0) = 0.07318, which met the ≥ 0.01 threshold set for BA1 (5,489 alleles out of 75,002, meeting the threshold of ≥ 5 of at least 2,000 observed alleles). The SpliceAI score = 0.03, which met the ≤ 0.1 threshold for BP4, suggesting that the variant does not impact MYOC function. This synonymous variant meets BP4, so BP7 is met. There was no functional evidence predicting a damaging or benign impact of this variant on MYOC function. As BA1 was met, PP1 did not apply and segregations were not counted. Although probands with juvenile or primary open angle glaucoma have been reported carrying this variant, PM2_Supporting was not met, therefore PS4 did not apply. In summary, this variant was classified as benign (BA1 is a stand-alone criterion for a benign level of pathogenicity) for juvenile open angle glaucoma based on the ACMG/AMP criteria met, as specified by the ClinGen Glaucoma VCEP (v2.0.0, 5 Dec 2024): BA1, BP4, BP7

Labcorp Genetics (formerly Invitae), Labcorp
Classification: Benign. Last evaluated: 2026-01-11. Review status: criteria provided, single submitter. Criteria: Invitae Variant Classification Sherloc (09022015). Collection method: clinical testing. Allele origin: germline. Not counted in ClinVar's aggregate classification.

GeneDx
Classification: Benign. Last evaluated: 2018-09-24. Review status: criteria provided, single submitter. Criteria: GeneDx Variant Classification Process June 2021. Collection method: clinical testing. Allele origin: germline. Affected: yes. Not counted in ClinVar's aggregate classification.

Illumina Laboratory Services, Illumina
Classification: Benign for Glaucoma. Last evaluated: 2018-01-13. Review status: criteria provided, single submitter. Criteria: ICSL Variant Classification Criteria 13 December 2019. Collection method: clinical testing. Allele origin: germline. Not counted in ClinVar's aggregate classification.
Comment: This variant was observed in the ICSL laboratory as part of a predisposition screen in an ostensibly healthy population. It had not been previously curated by ICSL or reported in the Human Gene Mutation Database (HGMD: prior to June 1st, 2018), and was therefore a candidate for classification through an automated scoring system. Utilizing variant allele frequency, disease prevalence and penetrance estimates, and inheritance mode, an automated score was calculated to assess if this variant is too frequent to cause the disease. Based on the score and internal cut-off values, a variant classified as benign is not then subjected to further curation. The score for this variant resulted in a classification of benign for this disease.

Illumina Laboratory Services, Illumina
Classification: Benign for Glaucoma 1, open angle, A. Last evaluated: 2018-01-13. Review status: criteria provided, single submitter. Criteria: ICSL Variant Classification Criteria 13 December 2019. Collection method: clinical testing. Allele origin: germline. Not counted in ClinVar's aggregate classification.
Comment: the same text as in the submission from Illumina Laboratory Services, Illumina above.

Breakthrough Genomics
Classification: Benign. Review status: criteria provided, single submitter. Criteria: ACMG Guidelines, 2015. Collection method: not provided. Allele origin: germline. Inheritance: Autosomal dominant inheritance. Affected: yes. Not counted in ClinVar's aggregate classification.